The following is an entry in ClinVar:

ClinVar aggregate classification (germline): Uncertain significance (1 of 4 stars; one submission).

gnomAD v4.1: 9 of 1,610,438 alleles (0.00056%); highest among the groups gnomAD compares: Non-Finnish European, 0.00076%; no homozygotes.

Submission:

GeneDx
Classification: Uncertain significance. Last evaluated: 2024-09-11. Review status: criteria provided, single submitter. Criteria: GeneDx Variant Classification Process June 2021. Collection method: clinical testing. Allele origin: germline. Affected: yes.
Comment: Not observed at significant frequency in large population cohorts (gnomAD); In silico analysis supports that this missense variant has a deleterious effect on protein structure/function; Has not been previously published as pathogenic or benign to our knowledge

NM_006946.4(SPTBN2):c.3040C>T (p.Arg1014Trp)

Gene: SPTBN2 (spectrin beta, non-erythrocytic 2; minus strand). Cytogenetic location: 11q13.2.
Variant type: single nucleotide variant.
Coding change: c.3040C>T on transcript NM_006946.4 (MANE Select); coding-DNA position 3040, C replaced by T.
Protein change: p.Arg1014Trp; replaces arginine 1014 with tryptophan.
Molecular consequence: missense variant.
Genome position (GRCh38, 1-based): chr11:66,701,059, G>A on the plus strand (C>T on the coding strand, the complement: SPTBN2 is on the minus strand). VCF-style: chr11-66701059-G-A. GRCh37 (hg19) VCF-style: chr11-66468530-G-A.
Other names: c.3061C>T, p.Arg1021Trp (NM_001411025.1); short protein forms R1014W, R1021W.
Identifiers: ClinVar variation 3769941 (VCV003769941.1).
Genomic context (GRCh38, chr11:66,701,059, plus strand): 5'-CTGCCTGAGCGGGATGGCCGGCAGCCAGGGCATTTGCCTCTCGAGTCAGTTCGCCCACCC[G>A]GGCGGCGATGGCCTCCAGGTCCCGCTCCGTGCCGGCCAGCTTGCGCTGCAGGGCCAGCAC-3'
Protein context (NP_008877.2, residues 1004-1024): TERDLEAIAA[Arg1014Trp]VGELTREANA